The following is an entry in ClinVar:

NM_001008212.2(OPTN):c.481G>A (p.Val161Met)

Gene: OPTN (optineurin; plus strand). Cytogenetic location: 10p13.
Variant type: single nucleotide variant.
Coding change: c.481G>A on transcript NM_001008212.2 (MANE Select); coding-DNA position 481, G replaced by A.
Protein change: p.Val161Met; replaces valine 161 with methionine.
Molecular consequence: missense variant.
Genome position (GRCh38, 1-based): chr10:13,112,564, G>A. VCF-style: chr10-13112564-G-A. GRCh37 (hg19) VCF-style: chr10-13154564-G-A.
Other names: c.481G>A, p.Val161Met (NM_001008211.1, NM_001008213.1, NM_021980.4); short protein forms V161M.
Identifiers: ClinVar variation 1428247 (VCV001428247.9), dbSNP rs776058639, ClinGen allele CA5410635.

ClinVar aggregate classification (germline): Uncertain significance. Review status: criteria provided, single submitter (1 of 4 stars). 2 submissions from 2 submitters: Uncertain significance (1). 1 of the submissions does not count toward it. Last evaluated 2025-02-12.

Conditions:
OPTN-related disorder. Also called: OPTN-related disorders; OPTN-related condition.
Amyotrophic lateral sclerosis type 12 (ALS12). Also called: AMYOTROPHIC LATERAL SCLEROSIS 12 WITH OR WITHOUT FRONTOTEMPORAL DEMENTIA. Identifiers: Orphanet 803, MedGen C3150692, MONDO:0013264, OMIM 613435.
Glaucoma 1, open angle, E. Identifiers: MedGen C1842026, MONDO:0007665.
Primary open angle glaucoma (POAG). Also called: OPTN-related open angle glaucoma. Identifiers: MedGen C0339573, MONDO:0100553, OMIM 137760.

Allele frequency attached by ClinVar (database versions not stated): gnomAD 0.00001 and 0.00003; TOPMed 0.00001; gnomAD exomes 0.00002; ExAC 0.00003.
gnomAD v4.1: 24 of 1,614,170 alleles (0.0015%); highest among the groups gnomAD compares: East Asian, 0.029%; no homozygotes.

Submissions (2):

Labcorp Genetics (formerly Invitae), Labcorp
Classification: Uncertain significance for Primary open angle glaucoma; Glaucoma 1, open angle, E; Amyotrophic lateral sclerosis type 12. Last evaluated: 2025-02-12. Review status: criteria provided, single submitter. Criteria: Invitae Variant Classification Sherloc (09022015). Collection method: clinical testing. Allele origin: germline.
Comment: This sequence change replaces valine, which is neutral and non-polar, with methionine, which is neutral and non-polar, at codon 161 of the OPTN protein (p.Val161Met). This variant is present in population databases (rs776058639, gnomAD 0.02%). This missense change has been observed in individual(s) with amyotrophic lateral sclerosis (PMID: 22708870, 34275688). ClinVar contains an entry for this variant (Variation ID: 1428247). Invitae Evidence Modeling of protein sequence and biophysical properties (such as structural, functional, and spatial information, amino acid conservation, physicochemical variation, residue mobility, and thermodynamic stability) indicates that this missense variant is not expected to disrupt OPTN protein function with a negative predictive value of 80%. In summary, the available evidence is currently insufficient to determine the role of this variant in disease. Therefore, it has been classified as a Variant of Uncertain Significance.

PreventionGenetics, part of Exact Sciences
Classification: Uncertain significance for OPTN-related condition. Last evaluated: 2023-11-27. Review status: no assertion criteria provided. Collection method: clinical testing. Allele origin: germline. Not counted in ClinVar's aggregate classification.
Comment: The OPTN c.481G>A variant is predicted to result in the amino acid substitution p.Val161Met. This variant was reported in an individual with amyotrophic lateral sclerosis (Naruse. 2012. PubMed ID: 22708870). This variant is reported in 0.020% of alleles in individuals of East Asian descent in gnomAD. At this time, the clinical significance of this variant is uncertain due to the absence of conclusive functional and genetic evidence.

Literature cited by the submitters: PubMed 22708870 (cited by Labcorp Genetics (formerly Invitae), Labcorp); PubMed 34275688 (cited by Labcorp Genetics (formerly Invitae), Labcorp).